The following is an entry in ClinVar:

ClinVar aggregate classification (germline): Uncertain significance (1 of 4 stars; one submission).

Submission:

Labcorp Genetics (formerly Invitae), Labcorp
Classification: Uncertain significance. Last evaluated: 2022-11-10. Review status: criteria provided, single submitter. Criteria: Invitae Variant Classification Sherloc (09022015). Collection method: clinical testing. Allele origin: germline.
Comment: This sequence change replaces histidine, which is basic and polar, with proline, which is neutral and non-polar, at codon 74 of the PITPNM3 protein (p.His74Pro). In summary, the available evidence is currently insufficient to determine the role of this variant in disease. Therefore, it has been classified as a Variant of Uncertain Significance. Algorithms developed to predict the effect of missense changes on protein structure and function output the following: SIFT: "Tolerated"; PolyPhen-2: "Benign"; Align-GVGD: "Class C0". The proline amino acid residue is found in multiple mammalian species, which suggests that this missense change does not adversely affect protein function. This variant has not been reported in the literature in individuals affected with PITPNM3-related conditions. This variant is not present in population databases (gnomAD no frequency).

NM_031220.4(PITPNM3):c.221A>C (p.His74Pro)

Gene: PITPNM3 (PITPNM family member 3; minus strand). Cytogenetic location: 17p13.1.
Variant type: single nucleotide variant.
Coding change: c.221A>C on transcript NM_031220.4 (MANE Select); coding-DNA position 221, A replaced by C.
Protein change: p.His74Pro; replaces histidine 74 with proline.
Molecular consequence: missense variant. On other transcripts: intron variant (1).
Genome position (GRCh38, 1-based): chr17:6,525,361, T>G on the plus strand (A>C on the coding strand, the complement: PITPNM3 is on the minus strand). VCF-style: chr17-6525361-T-G. GRCh37 (hg19) VCF-style: chr17-6428681-T-G.
Other names: c.118+12626A>C (NM_001165966.2); short protein forms H74P.
Identifiers: ClinVar variation 2813383 (VCV002813383.3), dbSNP rs2544116045, ClinGen allele CA397401637.